The following is an entry in ClinVar:

NM_000884.3(IMPDH2):c.819+10T>C

Gene: IMPDH2 (inosine monophosphate dehydrogenase 2; minus strand). Cytogenetic location: 3p21.31.
Variant type: single nucleotide variant.
Coding change: c.819+10T>C on transcript NM_000884.3 (MANE Select); 10 bases into the intron after coding-DNA position 819, T replaced by C.
Molecular consequence: intron variant.
Genome position (GRCh38, 1-based): chr3:49,026,677, A>G on the plus strand (T>C on the coding strand, the complement: IMPDH2 is on the minus strand). VCF-style: chr3-49026677-A-G. GRCh37 (hg19) VCF-style: chr3-49064110-A-G.
Other names: c.819+10T>C (NM_000884.2).
Identifiers: ClinVar variation 1229935 (VCV001229935.6), dbSNP rs11706052, ClinGen allele CA2390602.

ClinVar aggregate classification (germline): Benign. Review status: criteria provided, multiple submitters, no conflicts (2 of 4 stars). 3 submissions from 3 submitters: Benign (2). 1 of the submissions does not count toward it. Last evaluated 2021-01-21.

Conditions:
IMPDH2-related disorder. Also called: IMPDH2-related condition. Identifiers: MedGen CN382316, MONDO:1060248.

Allele frequency attached by ClinVar (database versions not stated): 1000 Genomes Project 0.05292; 1000 Genomes Project 30x 0.05403; TOPMed 0.06936; gnomAD 0.07544 and 0.07595; ESP Exome Variant Server 0.07958; ExAC 0.08260; gnomAD exomes 0.08343 and 0.09946.

Submissions (3):

GeneDx
Classification: Benign. Last evaluated: 2021-01-21. Review status: criteria provided, single submitter. Criteria: GeneDx Variant Classification Process June 2021. Collection method: clinical testing. Allele origin: germline. Affected: yes.

Breakthrough Genomics
Classification: Benign. Review status: criteria provided, single submitter. Criteria: ACMG Guidelines, 2015. Collection method: not provided. Allele origin: germline. Inheritance: Unknown mechanism. Affected: yes.

PreventionGenetics, part of Exact Sciences
Classification: Benign for IMPDH2-related condition. Last evaluated: 2019-10-21. Review status: no assertion criteria provided. Collection method: clinical testing. Allele origin: germline. Not counted in ClinVar's aggregate classification.
Comment: This variant is classified as benign based on ACMG/AMP sequence variant interpretation guidelines (Richards et al. 2015 PMID: 25741868, with internal and published modifications).